The following is an entry in ClinVar:

NM_004364.5(CEBPA):c.572ACCCGC[2] (p.191HP[2])

Gene: CEBPA (CCAAT enhancer binding protein alpha; minus strand). Cytogenetic location: 19q13.11.
Variant type: Microsatellite.
Coding change: c.572ACCCGC[2] on transcript NM_004364.5 (MANE Select); two copies in a row of the 6-base unit ACCCGC starting at c.572; the reference has three copies in a row; one copy, 6 bases deleted; also written c.584_589del.
Protein change: p.191HP[2].
Molecular consequence: inframe deletion.
Genome position (GRCh38, 1-based): chr19:33,301,826-33,301,831, GCGGGT deleted on the plus strand (ACCCGC on the coding strand, the reverse complement: CEBPA is on the minus strand); deleting any 6 consecutive bases within chr19:33,301,826-33,301,846 gives the same sequence; the position shown is the placement nearest the transcript's 3' end. VCF-style (leftmost placement, unchanged base first): chr19-33301825-GGCGGGT-G. GRCh37 (hg19) VCF-style: chr19-33792731-GGCGGGT-G.
Other names: c.584_589delACCCGC (NM_004364.4, NM_004364.3); c.215ACCCGC[2], p.72HP[2] (NM_001285829.2); c.677ACCCGC[2], p.226HP[2] (NM_001287424.2); c.530ACCCGC[2], p.177HP[2] (NM_001287435.2); c.584_589del6 (NM_004364.4); c.584_589del (NM_004364.3).
Identifiers: ClinVar variation 408757 (VCV000408757.22), dbSNP rs762459325, ClinGen allele CA16616054.

ClinVar aggregate classification (germline): Uncertain significance. Review status: criteria provided, multiple submitters, no conflicts (2 of 4 stars). 8 submissions from 8 submitters: Uncertain significance (7). 1 of the submissions does not count toward it. Last evaluated 2025-11-09.

Conditions:
Hereditary cancer-predisposing syndrome. Also called: Hereditary Cancer Syndrome; Tumor predisposition; Neoplastic Syndromes, Hereditary; Hereditary neoplastic syndrome. Identifiers: Orphanet 140162, MedGen C0027672, MeSH D009386, MONDO:0015356.
Acute myeloid leukemia (AML). Also called: Leukemia, acute myeloid, somatic; Leukemia, acute myelogenous, somatic; Acute myeloid leukemia, adult; AML adult; Acute non-lymphocytic leukemia; Acute granulocytic leukemia. Identifiers: Orphanet 519, MedGen C0023467, MeSH D015470, MONDO:0018874, OMIM 601626, HP:0004808. Disease mechanism: Constitutively activated FLT3.
CEBPA-related disorder. Also called: CEBPA-related condition.
Inborn genetic diseases. Identifiers: MedGen C0950123, MeSH D030342.

Submissions (8):

Labcorp Genetics (formerly Invitae), Labcorp
Classification: Uncertain significance for Acute myeloid leukemia. Last evaluated: 2025-11-09. Review status: criteria provided, single submitter. Criteria: Invitae Variant Classification Sherloc (09022015). Collection method: clinical testing. Allele origin: germline.
Comment: This variant, c.584_589del, results in the deletion of 2 amino acid(s) of the CEBPA protein (p.His195_Pro196del), but otherwise preserves the integrity of the reading frame. The frequency data for this variant in the population databases is considered unreliable, as metrics indicate poor data quality at this position in the gnomAD database. This variant has been observed in individual(s) with acute myeloid leukemia (PMID: 20970189). Experimental studies and prediction algorithms are not available or were not evaluated, and the functional significance of this variant is currently unknown. In summary, the available evidence is currently insufficient to determine the role of this variant in disease. Therefore, it has been classified as a Variant of Uncertain Significance.

PreventionGenetics, part of Exact Sciences
Classification: Uncertain significance for CEBPA-related condition. Last evaluated: 2025-07-31. Review status: criteria provided, single submitter. Criteria: ACMG Guidelines, 2015. Collection method: clinical testing. Allele origin: germline.
Comment: The CEBPA c.584_589del6 variant is predicted to result in an in-frame deletion (p.His195_Pro196del). This variant has been reported as a germline variant in an individual with acute myeloid leukemia (Szankasi et al. 2010. PubMed ID: 20970189). This variant is reported in 0.034% of alleles in individuals of European (Finnish) descent in gnomAD. At this time, the clinical significance of this variant is uncertain due to the absence of conclusive functional and genetic evidence.

Ambry Genetics
Classification: Uncertain significance for Inborn genetic diseases. Last evaluated: 2024-12-11. Review status: criteria provided, single submitter. Criteria: Ambry Variant Classification Scheme 2023. Collection method: clinical testing. Allele origin: germline.
Comment: The c.584_589delACCCGC variant (also known as p.H195_P196del) is located in coding exon 1 of the CEBPA gene. This variant results from an in-frame ACCCGC deletion at nucleotide positions 584 to 589. This results in the in-frame deletion of histidine and proline residues at codons 195-196. This amino acid region is not well conserved in available vertebrate species. In addition, this alteration is predicted to be neutral by in silico analysis (Choi Y et al. PLoS ONE. 2012; 7(10):e46688). Based on the available evidence, the clinical significance of this variant remains unclear.

Blueprint Genetics
Classification: Uncertain significance. Last evaluated: 2024-10-22. Review status: criteria provided, single submitter. Criteria: ACMG Guidelines, 2015. Collection method: clinical testing. Allele origin: germline.

GeneDx
Classification: Uncertain significance. Last evaluated: 2024-01-09. Review status: criteria provided, single submitter. Criteria: GeneDx Variant Classification Process June 2021. Collection method: clinical testing. Allele origin: germline.
Comment: In-frame deletion of two amino acids in a non-repeat region; In silico analysis supports that this variant does not alter protein structure/function; Co-observed with two other CEBPA variants in an individual with acute myeloid leukemia (PMID: 20970189); This variant is associated with the following publications: (PMID: 34587721, 20970189, 21455213)

Sema4
Classification: Uncertain significance for Hereditary cancer-predisposing syndrome. Last evaluated: 2021-09-15. Review status: criteria provided, single submitter. Criteria: Sema4 Curation Guidelines. Collection method: curation. Allele origin: germline.
Comment: The CEBPA c.584_589delACCCGC (p.H195_P196del) variant has been reported in 4 individuals with acute myeloid leukemia, though 2 of these individuals also carried additional, potentially deleterious variants in the CEBPA gene (PMID 20970189). This variant was observed in 1/2978 chromosomes in the Finnish population according to the Genome Aggregation Database (PMID: 32461654). This variant has been reported in ClinVar (Variation ID 408757). Functional studies have not been performed, and in silico predictions of the variant's effect on protein function are not available. The overall evidence is insufficient to meet ACMG/AMP criteria for classifying it as benign or pathogenic. In summary, the clinical significance of this variant is currently uncertain.

Breakthrough Genomics
Classification: Uncertain significance. Review status: criteria provided, single submitter. Criteria: ACMG Guidelines, 2015. Collection method: not provided. Allele origin: germline. Inheritance: Autosomal dominant inheritance. Affected: yes.

Genetic Services Laboratory, University of Chicago
Classification: Uncertain significance. Last evaluated: 2022-07-14. Review status: no assertion criteria provided. Collection method: clinical testing. Allele origin: germline. Affected: no. Not counted in ClinVar's aggregate classification.
Comment: DNA sequence analysis of the CEBPA demonstrated a six base pair deletion in exon 1, c.584_589del. This in-frame deletion is predicted to result in the deletion of two amino acid residues, p.His195_Pro196del. This deletion does not appear to have been previously described in individuals with CEBPA -related disorders. This deletion has not been described in population databases such as ExAC and gnomAD; however the allele frequency estimates may not be reliable in gnomAD (dbSNP rs1002805239). The functional significance of this sequence change is not known at present and its contribution to this individual's disease phenotype cannot definitively be determined.

Literature cited by the submitters: PubMed 20970189 (cited by Labcorp Genetics (formerly Invitae), Labcorp and Sema4).